The following is an entry in ClinVar:

ClinVar aggregate classification (germline): Uncertain significance (1 of 4 stars; one submission).

Submission:

GeneDx
Classification: Uncertain significance. Last evaluated: 2020-06-11. Review status: criteria provided, single submitter. Criteria: GeneDx Variant Classification Process June 2021. Collection method: clinical testing. Allele origin: germline. Affected: yes.
Comment: Not observed in large population cohorts (Lek 2016); In silico analysis supports that this missense variant does not alter protein structure/function; Has not been previously published as pathogenic or benign to our knowledge

NM_000051.4(ATM):c.1764C>G (p.Asp588Glu)

Gene: ATM (ATM serine/threonine kinase; plus strand). Cytogenetic location: 11q22.3.
Variant type: single nucleotide variant.
Coding change: c.1764C>G on transcript NM_000051.4 (MANE Select); coding-DNA position 1764, C replaced by G.
Protein change: p.Asp588Glu; replaces aspartic acid 588 with glutamic acid.
Molecular consequence: missense variant.
Genome position (GRCh38, 1-based): chr11:108,251,993, C>G. VCF-style: chr11-108251993-C-G. GRCh37 (hg19) VCF-style: chr11-108122720-C-G.
Other names: c.1764C>G, p.Asp588Glu (NM_001351834.2); short protein forms D588E.
Identifiers: ClinVar variation 1303364 (VCV001303364.2), dbSNP rs2135343562, ClinGen allele CA382535426.
Genomic context (GRCh38, chr11:108,251,993, plus strand): 5'-AAGCTTTTCTTTAAAGGAATCAATAATGAAATGGCTCTTATTCTATCAGTTAGAGGGTGA[C>G]TTAGAAAATAGCACAGAAGTGCCTCCAATTCTTCACAGGTAATTTAAGTTCATTAGCATG-3'
Protein context (NP_000042.3, residues 578-598): KWLLFYQLEG[Asp588Glu]LENSTEVPPI